The following is an entry in ClinVar:

NM_002618.4(PEX13):c.*2356T>C

Gene: PEX13 (peroxisomal biogenesis factor 13; plus strand). Cytogenetic location: 2p15.
Variant type: single nucleotide variant.
Coding change: c.*2356T>C on transcript NM_002618.4 (MANE Select); 2356 bases downstream of the stop codon, T replaced by C.
Molecular consequence: 3 prime UTR variant.
Genome position (GRCh38, 1-based): chr2:61,051,126, T>C. VCF-style: chr2-61051126-T-C. GRCh37 (hg19) VCF-style: chr2-61278261-T-C.
Identifiers: ClinVar variation 336703 (VCV000336703.29), dbSNP rs139999174, ClinGen allele CA10615906.

ClinVar aggregate classification (germline): Conflicting classifications of pathogenicity. Review status: criteria provided, conflicting classifications (1 of 4 stars). 2 submissions from 2 submitters: Uncertain significance (1); Likely benign (1). Last evaluated 2023-04-01.

Conditions:
Peroxisome biogenesis disorder 11A (Zellweger). Also called: Peroxisome biogenesis disorder 11A. Identifiers: Orphanet 912, MedGen C3554000, MONDO:0013949, OMIM 614883.

Allele frequency attached by ClinVar (database versions not stated): 1000 Genomes Project 30x 0.00265; 1000 Genomes Project 0.00319; gnomAD 0.00416 and 0.00428; TOPMed 0.00446; gnomAD exomes 0.02778.
gnomAD v4.1: 660 of 152,302 alleles (0.43%); highest among the groups gnomAD compares: Middle Eastern, 1%; 3 homozygotes.

Submissions (2):

CeGaT Center for Human Genetics Tuebingen
Classification: Likely benign. Last evaluated: 2023-04-01. Review status: criteria provided, single submitter. Criteria: CeGaT Center For Human Genetics Tuebingen Variant Classification Criteria Version 2. Collection method: clinical testing. Allele origin: germline. Affected: yes. Observed: 2 variant alleles.
Comment: PEX13: BS2

Illumina Laboratory Services, Illumina
Classification: Uncertain significance for Peroxisome biogenesis disorder 11A (Zellweger). Last evaluated: 2018-01-12. Review status: criteria provided, single submitter. Criteria: ICSL Variant Classification Criteria 13 December 2019. Collection method: clinical testing. Allele origin: germline.